The following is an entry in ClinVar:

NM_001164508.2(NEB):c.20454G>C (p.Leu6818=)

Gene: NEB (nebulin; minus strand). Cytogenetic location: 2q23.3.
Variant type: single nucleotide variant.
Coding change: c.20454G>C on transcript NM_001164508.2 (MANE Select); coding-DNA position 20454, G replaced by C.
Protein change: p.Leu6818=; no amino-acid change (leucine 6818 retained).
Molecular consequence: synonymous variant.
Genome position (GRCh38, 1-based): chr2:151,546,357, C>G on the plus strand (G>C on the coding strand, the complement: NEB is on the minus strand). VCF-style: chr2-151546357-C-G. GRCh37 (hg19) VCF-style: chr2-152402871-C-G.
Other names: c.20454G>C, p.Leu6818= (NM_001164507.2, NM_001271208.2); c.15351G>C, p.Leu5117= (NM_004543.5).
Identifiers: ClinVar variation 465537 (VCV000465537.12), dbSNP rs374662309, ClinGen allele CA1907297.

ClinVar aggregate classification (germline): Likely benign. Review status: criteria provided, multiple submitters, no conflicts (2 of 4 stars). 2 submissions from 2 submitters: Likely benign (2). Last evaluated 2026-09-01.

Conditions:
NEB-related disorder. Also called: NEB-Related Disorders; NEB-related condition.
Nemaline myopathy 2 (NEM2). Also called: Nemaline myopathy 2, autosomal recessive. Identifiers: MedGen C1850569, MONDO:0009725, OMIM 256030.

Allele frequency attached by ClinVar (database versions not stated): gnomAD exomes 0.00001; ExAC 0.00003; gnomAD 0.00005 and 0.00007; TOPMed 0.00014; ESP Exome Variant Server 0.00016.
gnomAD v4.1: 20 of 1,612,156 alleles (0.0012%); highest among the groups gnomAD compares: African/African-American, 0.023%; no homozygotes.

Submissions (2):

PreventionGenetics, part of Exact Sciences
Classification: Likely benign for NEB-related condition. Last evaluated: 2026-09-01. Review status: criteria provided, single submitter. Criteria: ACMG Guidelines, 2015. Collection method: clinical testing. Allele origin: germline.
Comment: This variant is classified as likely benign based on ACMG/AMP sequence variant interpretation guidelines (Richards et al. 2015 PMID: 25741868, with internal and published modifications).

Labcorp Genetics (formerly Invitae), Labcorp
Classification: Likely benign for Nemaline myopathy 2. Last evaluated: 2025-12-22. Review status: criteria provided, single submitter. Criteria: Invitae Variant Classification Sherloc (09022015). Collection method: clinical testing. Allele origin: germline.